The following is an entry in ClinVar:

ClinVar aggregate classification (germline): Uncertain significance. Review status: criteria provided, multiple submitters, no conflicts (2 of 4 stars). 2 submissions from 2 submitters: Uncertain significance (2). Last evaluated 2025-08-13.

Conditions:
Inborn genetic diseases. Identifiers: MedGen C0950123, MeSH D030342.

Allele frequency attached by ClinVar (database versions not stated): gnomAD exomes 0.00001; ExAC 0.00002; gnomAD 0.00003; TOPMed 0.00003; ESP Exome Variant Server 0.00008.
gnomAD v4.1: 17 of 1,613,802 alleles (0.0011%); highest among the groups gnomAD compares: African/African-American, 0.0053%; no homozygotes.

Submissions (2):

Labcorp Genetics (formerly Invitae), Labcorp
Classification: Uncertain significance. Last evaluated: 2025-08-13. Review status: criteria provided, single submitter. Criteria: Invitae Variant Classification Sherloc (09022015). Collection method: clinical testing. Allele origin: germline.
Comment: This sequence change replaces serine, which is neutral and polar, with leucine, which is neutral and non-polar, at codon 388 of the KDF1 protein (p.Ser388Leu). This variant is present in population databases (rs374830839, gnomAD 0.003%). This variant has not been reported in the literature in individuals affected with KDF1-related conditions. ClinVar contains an entry for this variant (Variation ID: 2240772). Invitae Evidence Modeling of protein sequence and biophysical properties (such as structural, functional, and spatial information, amino acid conservation, physicochemical variation, residue mobility, and thermodynamic stability) indicates that this missense variant is not expected to disrupt KDF1 protein function with a negative predictive value of 80%. Algorithms developed to predict the effect of sequence changes on RNA splicing suggest that this variant may disrupt the consensus splice site. In summary, the available evidence is currently insufficient to determine the role of this variant in disease. Therefore, it has been classified as a Variant of Uncertain Significance.

Ambry Genetics
Classification: Uncertain significance for Inborn genetic diseases. Last evaluated: 2021-08-02. Review status: criteria provided, single submitter. Criteria: Ambry Variant Classification Scheme 2023. Collection method: clinical testing. Allele origin: germline.

NM_152365.3(KDF1):c.1163C>T (p.Ser388Leu)

Gene: KDF1 (keratinocyte differentiation factor 1; minus strand). Cytogenetic location: 1p36.11.
Variant type: single nucleotide variant.
Coding change: c.1163C>T on transcript NM_152365.3 (MANE Select); coding-DNA position 1163, C replaced by T.
Protein change: p.Ser388Leu; replaces serine 388 with leucine.
Molecular consequence: missense variant.
Genome position (GRCh38, 1-based): chr1:26,950,103, G>A on the plus strand (C>T on the coding strand, the complement: KDF1 is on the minus strand). VCF-style: chr1-26950103-G-A. GRCh37 (hg19) VCF-style: chr1-27276594-G-A.
Other names: short protein forms S388L.
Identifiers: ClinVar variation 2240772 (VCV002240772.3), dbSNP rs374830839, ClinGen allele CA710136.
Genomic context (GRCh38, chr1:26,950,103, plus strand): 5'-GGTGTGGCAGCTGGGCCTGGCAGGGGTTAGCAGTACACCTGGAGCAAGGGTGCCCCCGAC[G>A]AGTCTGTGTCGGTGCCCTGGAAGGATGAGTCATGGCTTGCTGGGTACCCTGGTAGGAAGG-3'
Protein context (NP_689578.2, residues 378-398): DSSFQGTDTD[Ser388Leu]SGAPLLQVYC